The following is an entry in ClinVar:

NM_001009944.3(PKD1):c.8095C>T (p.Gln2699Ter)

Gene: PKD1 (polycystin 1, transient receptor potential channel interacting; minus strand). Cytogenetic location: 16p13.3.
Variant type: single nucleotide variant.
Coding change: c.8095C>T on transcript NM_001009944.3 (MANE Select); coding-DNA position 8095, C replaced by T.
Protein change: p.Gln2699Ter; replaces glutamine 2699 with a stop codon.
Molecular consequence: nonsense.
Genome position (GRCh38, 1-based): chr16:2,104,564, G>A on the plus strand (C>T on the coding strand, the complement: PKD1 is on the minus strand). VCF-style: chr16-2104564-G-A. GRCh37 (hg19) VCF-style: chr16-2154565-G-A.
Other names: c.8095C>T, p.Gln2699Ter (NM_000296.4); short protein forms Q2699*.
Identifiers: ClinVar variation 433984 (VCV000433984.13), dbSNP rs1222094213, ClinGen allele CA394365419.

ClinVar aggregate classification (germline): Pathogenic. Review status: criteria provided, multiple submitters, no conflicts (2 of 4 stars). 7 submissions from 7 submitters: Pathogenic (6). 1 of the submissions does not count toward it. Last evaluated 2026-07-30.

Conditions:
Polycystic kidney disease, adult type (PKD1). Also called: Polycystic Kidney, Autosomal Dominant; POLYCYSTIC KIDNEY DISEASE 1 WITH OR WITHOUT POLYCYSTIC LIVER DISEASE; POLYCYSTIC KIDNEY DISEASE, ADULT, TYPE I; Polycystic Kidney Disease 1, Autosomal Dominant; Polycystic kidney disease 1; Polycystic kidney disease 1, severe. Identifiers: MedGen C3149841, MONDO:0008263, OMIM 173900.
Polycystic kidney disease. Also called: Kidney, Polycystic; Polycystic kidney dysplasia. Identifiers: MedGen C0022680, MeSH D007690, MONDO:0020642, HP:0000113.

Submissions (7):

GeneDx
Classification: Pathogenic. Last evaluated: 2026-07-30. Review status: criteria provided, single submitter. Criteria: GeneDx Variant Classification Process June 2021. Collection method: clinical testing. Allele origin: germline.
Comment: Nonsense variant predicted to result in protein truncation or nonsense mediated decay in a gene for which loss of function is a known mechanism of disease; Not observed at significant frequency in large population cohorts (gnomAD); This variant is associated with the following publications: (PMID: 39888183, 25525159, 31740684, 18837007, 35177841, 32970388, 24374109, 40760778)

Medical and Scientific Branch, Hong Kong Genome Institute
Classification: Pathogenic for Polycystic kidney disease, adult type. Last evaluated: 2026-01-26. Review status: criteria provided, single submitter. Criteria: ACMG Guidelines, 2015. Collection method: clinical testing. Allele origin: unknown. Affected: yes.

Women's Health and Genetics/Laboratory Corporation of America, LabCorp
Classification: Pathogenic for Polycystic kidney disease, adult type. Last evaluated: 2025-10-09. Review status: criteria provided, single submitter. Criteria: LabCorp Variant Classification Summary - May 2015. Collection method: clinical testing. Allele origin: germline.
Comment: Variant summary: PKD1 c.8095C>T (p.Gln2699X) results in a premature termination codon, predicted to cause a truncation of the encoded protein or absence of the protein due to nonsense mediated decay, which are commonly known mechanisms for disease. The variant was absent in 169258 control chromosomes. c.8095C>T has been observed in at least one heterozygous individual affected with Polycystic Kidney Disease 1 (e.g. Brazdziunaite_2025). To our knowledge, no experimental evidence demonstrating an impact on protein function has been reported. The following publication has been ascertained in the context of this evaluation (PMID: 40760778). ClinVar contains an entry for this variant (Variation ID: 433984). Based on the evidence outlined above, the variant was classified as pathogenic.

Genomic Medicine Center of Excellence, King Faisal Specialist Hospital and Research Centre
Classification: Pathogenic for Polycystic kidney disease, adult type. Last evaluated: 2025-09-10. Review status: criteria provided, single submitter. Criteria: ACMG Guidelines, 2015. Collection method: clinical testing. Allele origin: germline.

Fulgent Genetics
Classification: Pathogenic for Polycystic kidney disease, adult type. Last evaluated: 2024-04-18. Review status: criteria provided, single submitter. Criteria: ACMG Guidelines, 2015. Collection method: clinical testing. Allele origin: germline.

Laboratorio de Genetica e Diagnostico Molecular, Hospital Israelita Albert Einstein
Classification: Pathogenic for Polycystic kidney disease, adult type. Last evaluated: 2022-07-07. Review status: criteria provided, single submitter. Criteria: ACMG Guidelines, 2015. Collection method: clinical testing. Allele origin: germline. Affected: yes.
Comment: ACMG classification criteria: PVS1 very strong, PS4 moderate, PM2 moderate

Department of Pathology and Laboratory Medicine, Sinai Health System
Classification: Pathogenic for Polycystic Kidney disease. Review status: no assertion criteria provided. Collection method: clinical testing. Allele origin: unknown. Affected: yes. Study: The Canadian Open Genetics Repository (COGR). Not counted in ClinVar's aggregate classification.
Comment: The PKD1 p.Gln2699X variant was identified in 1 of 50 proband chromosomes (frequency: 0.02) from individuals or families with ADPKD (Tan_2014), however control chromosomes were not evaluated in this study, thus the prevalence of this variant in the general population could not be determined. The variant was not identified in the 1000 Genomes Project, the Exome Variant Server project, or in the Exome Aggregation Consortium. The variant was identified 1x as definitely pathogenic in the PKDB Mutation Database and 1x in PKD1-LOVD3.0 with no classification given. The p.Gln2699X variant leads to a premature stop codon at position 2699, which is predicted to lead to a truncated or absent protein and loss of function. Loss of function variants in the PKD1 gene are an established mechanism of disease in ADPKD. In summary, based on the above information, this variant meets our laboratoryâ€šÃ„Ã´s criteria to be classified as pathogenic.

Literature cited by the submitters: PubMed 40760778 (cited by Women's Health and Genetics/Laboratory Corporation of America, LabCorp).